The following is an entry in ClinVar:

ClinVar aggregate classification (germline): Likely pathogenic (1 of 4 stars; one submission).

Conditions:
alpha Thalassemia. Also called: Alpha thalassemia spectrum. Identifiers: Orphanet 846, MedGen C0002312, MONDO:0011399, OMIM 604131.

Submission:

Natera, Inc.
Classification: Likely pathogenic for Alpha thalassemia. Last evaluated: 2025-12-17. Review status: criteria provided, single submitter. Criteria: Natera Variant Classification Schema (03/2026). Collection method: clinical testing. Allele origin: germline.
Comment: The c.279_283del variant in HBA2 is a frameshift variant predicted to elongate the protein beyond the termination codon. This variant is expected to result in nonsense mediated decay, truncation, or a dysfunctional protein product. This variant is rare in the general population with a frequency below the threshold expected for the associated phenotype(s). Given the available evidence, this variant is classified as Likely Pathogenic.

NM_000517.6(HBA2):c.279_283del (p.Val94fs)

Genes: HBA2 (hemoglobin subunit alpha 2; plus strand), LOC106804612 (hemoglobin subunit alpha 2 recombination region; plus strand). Cytogenetic location: 16p13.3.
Variant type: Deletion.
Coding change: c.279_283del on transcript NM_000517.6 (MANE Select); coding-DNA positions 279 to 283, 5 bases deleted (GGTGG; older notation c.279_283delGGTGG).
Protein change: p.Val94fs; shifts the reading frame from valine 94.
Molecular consequence: frameshift variant.
Genome position (GRCh38, 1-based): chr16:173,308-173,312, GGTGG deleted; deleting any 5 consecutive bases within chr16:173,307-173,312 gives the same sequence; the c. name uses the placement nearest the transcript's 3' end. VCF-style (leftmost placement, unchanged base first): chr16-173306-CGGGTG-C. GRCh37 (hg19) VCF-style: chr16-223305-CGGGTG-C.
Other names: short protein forms V94fs.
Identifiers: ClinVar variation 4818655 (VCV004818655.1).